The following is an entry in ClinVar:

NM_032634.4(PIGO):c.1297C>T (p.Arg433Trp)

Gene: PIGO (phosphatidylinositol glycan anchor biosynthesis class O; minus strand). Cytogenetic location: 9p13.3.
Variant type: single nucleotide variant.
Coding change: c.1297C>T on transcript NM_032634.4 (MANE Select); coding-DNA position 1297, C replaced by T.
Protein change: p.Arg433Trp; replaces arginine 433 with tryptophan.
Molecular consequence: missense variant.
Genome position (GRCh38, 1-based): chr9:35,092,590, G>A on the plus strand (C>T on the coding strand, the complement: PIGO is on the minus strand). VCF-style: chr9-35092590-G-A. GRCh37 (hg19) VCF-style: chr9-35092587-G-A.
Other names: c.1297C>T, p.Arg433Trp (NM_001201484.2, NM_152850.4); short protein forms R433W.
Identifiers: ClinVar variation 1805800 (VCV001805800.8), dbSNP rs759288021, ClinGen allele CA5040668.

ClinVar aggregate classification (germline): Uncertain significance. Review status: criteria provided, multiple submitters, no conflicts (2 of 4 stars). 4 submissions from 4 submitters: Uncertain significance (4). Last evaluated 2026-03-01.

Conditions:
Hyperphosphatasia with impaired intellectual development syndrome 2. Also called: Hyperphosphatasia with intellectual disability syndrome 2; GLYCOSYLPHOSPHATIDYLINOSITOL BIOSYNTHESIS DEFECT 6. Identifiers: Orphanet 247262, MedGen C3553637, MONDO:0013882, OMIM 614749.

Allele frequency attached by ClinVar (database versions not stated): ExAC 0.00001; TOPMed 0.00001; gnomAD exomes 0.00002.

Submissions (4):

CeGaT Center for Human Genetics Tuebingen
Classification: Uncertain significance. Last evaluated: 2026-03-01. Review status: criteria provided, single submitter. Criteria: CeGaT Center For Human Genetics Tuebingen Variant Classification Criteria Version 2. Collection method: clinical testing. Allele origin: germline. Affected: yes. Observed: 1 variant allele.
Comment: PIGO: PM2:Supporting, BP4

Blueprint Genetics
Classification: Uncertain significance. Last evaluated: 2024-04-15. Review status: criteria provided, single submitter. Criteria: ACMG Guidelines, 2015. Collection method: clinical testing. Allele origin: germline.

Labcorp Genetics (formerly Invitae), Labcorp
Classification: Uncertain significance for Hyperphosphatasia with impaired intellectual development syndrome 2. Last evaluated: 2022-01-18. Review status: criteria provided, single submitter. Criteria: Invitae Variant Classification Sherloc (09022015). Collection method: clinical testing. Allele origin: germline.
Comment: This sequence change replaces arginine, which is basic and polar, with tryptophan, which is neutral and slightly polar, at codon 433 of the PIGO protein (p.Arg433Trp). The frequency data for this variant in the population databases is considered unreliable, as metrics indicate poor data quality at this position in the gnomAD database. This variant has not been reported in the literature in individuals affected with PIGO-related conditions. Algorithms developed to predict the effect of missense changes on protein structure and function are either unavailable or do not agree on the potential impact of this missense change (SIFT: "Deleterious"; PolyPhen-2: "Benign"; Align-GVGD: "Class C0"). In summary, the available evidence is currently insufficient to determine the role of this variant in disease. Therefore, it has been classified as a Variant of Uncertain Significance.

Victorian Clinical Genetics Services, Murdoch Childrens Research Institute
Classification: Uncertain significance for Hyperphosphatasia with impaired intellectual development syndrome 2. Last evaluated: 2020-05-21. Review status: criteria provided, single submitter. Criteria: ACMG Guidelines, 2015. Collection method: clinical testing. Allele origin: germline. Inheritance: Autosomal recessive inheritance.
Comment: A heterozygous missense variant was identified, NM_032634.2(PIGO):c.1297C>T in exon 7 of 11 of the PIGO gene. This substitution is predicted to create a major amino acid change from an arginine to a tryptophan at position 433 of the protein; NP_116023.2(PIGO):p.(Arg433Trp). The arginine at this position has low conservation (100 vertebrates, UCSC), and is not situated in a known functional domain (NCBI, PDB). In silico software predictions of the pathogenicity of this variant are conflicting (PolyPhen2, SIFT, CADD, Mutation Taster). The variant is present in the gnomAD population database at a frequency of 0.00040% (1 heterozygote, 0 homozygotes). This variant has not previously been reported in clinical cases. Based on information available at the time of curation, this variant has been classified as a VUS. Legend: (P) - Pathogenic, (N) - Neutral, (B) - Benign